The following is an entry in ClinVar:

NM_020822.3(KCNT1):c.3279C>T (p.His1093=)

Gene: KCNT1 (potassium sodium-activated channel subfamily T member 1; plus strand). Cytogenetic location: 9q34.3.
Variant type: single nucleotide variant.
Coding change: c.3279C>T on transcript NM_020822.3 (MANE Select); coding-DNA position 3279, C replaced by T.
Protein change: p.His1093=; no amino-acid change (histidine 1093 retained).
Molecular consequence: synonymous variant.
Genome position (GRCh38, 1-based): chr9:135,786,298, C>T. VCF-style: chr9-135786298-C-T. GRCh37 (hg19) VCF-style: chr9-138678144-C-T.
Other names: c.3144C>T, p.His1048= (NM_001272003.2).
Identifiers: ClinVar variation 2659720 (VCV002659720.24), dbSNP rs1834041551, ClinGen allele CA467821204.

ClinVar aggregate classification (germline): Likely benign (1 of 4 stars; one submission).

Allele frequency attached by ClinVar (database versions not stated): gnomAD exomes below 0.00001.
gnomAD v4.1: 1 of 1,604,820 alleles (0.000062%); highest among the groups gnomAD compares: Middle Eastern, 0.017%; no homozygotes.

Submission:

CeGaT Center for Human Genetics Tuebingen
Classification: Likely benign. Last evaluated: 2022-09-01. Review status: criteria provided, single submitter. Criteria: CeGaT Center For Human Genetics Tuebingen Variant Classification Criteria Version 2. Collection method: clinical testing. Allele origin: germline. Affected: yes. Observed: 1 variant allele.
Comment: KCNT1: PM2:Supporting, BP4, BP7